The following is an entry in ClinVar:

NM_005633.4(SOS1):c.*3724T>C

Gene: SOS1 (SOS Ras/Rac guanine nucleotide exchange factor 1; minus strand). Cytogenetic location: 2p22.1.
Variant type: single nucleotide variant.
Coding change: c.*3724T>C on transcript NM_005633.4 (MANE Select); 3724 bases downstream of the stop codon, T replaced by C.
Molecular consequence: 3 prime UTR variant.
Genome position (GRCh38, 1-based): chr2:38,982,100, A>G on the plus strand (T>C on the coding strand, the complement: SOS1 is on the minus strand). VCF-style: chr2-38982100-A-G. GRCh37 (hg19) VCF-style: chr2-39209241-A-G.
Other names: c.*3724T>C (NM_001382394.1, NM_001382395.1).
Identifiers: ClinVar variation 335970 (VCV000335970.6), dbSNP rs11124658, ClinGen allele CA10613310.

ClinVar aggregate classification (germline): Benign. Review status: criteria provided, multiple submitters, no conflicts (2 of 4 stars). 3 submissions from 2 submitters: Benign (3). Last evaluated 2018-01-13.

Conditions:
Fibromatosis, gingival, 1 (GINGF1). Identifiers: Orphanet 2024, MedGen C4551558, MONDO:0007609, OMIM 135300.
Noonan syndrome 4 (NS4). Also called: SOS1-Related Noonan Syndrome; NOONAN SYNDROME WITH PIGMENTED VILLONODULAR SYNOVITIS. Identifiers: Orphanet 648, MedGen C1853120, MONDO:0012547, OMIM 610733.

Allele frequency attached by ClinVar (database versions not stated): 1000 Genomes Project 0.02256; 1000 Genomes Project 30x 0.02452; TOPMed 0.04549; gnomAD 0.04852 and 0.04952.

Submissions (3):

Illumina Laboratory Services, Illumina
Classification: Benign for Noonan syndrome 4. Last evaluated: 2018-01-13. Review status: criteria provided, single submitter. Criteria: ICSL Variant Classification Criteria 13 December 2019. Collection method: clinical testing. Allele origin: germline.
Comment: This variant was observed in the ICSL laboratory as part of a predisposition screen in an ostensibly healthy population. It had not been previously curated by ICSL or reported in the Human Gene Mutation Database (HGMD: prior to June 1st, 2018), and was therefore a candidate for classification through an automated scoring system. Utilizing variant allele frequency, disease prevalence and penetrance estimates, and inheritance mode, an automated score was calculated to assess if this variant is too frequent to cause the disease. Based on the score and internal cut-off values, a variant classified as benign is not then subjected to further curation. The score for this variant resulted in a classification of benign for this disease.

Illumina Laboratory Services, Illumina
Classification: Benign for Fibromatosis, gingival, 1. Last evaluated: 2018-01-13. Review status: criteria provided, single submitter. Criteria: ICSL Variant Classification Criteria 13 December 2019. Collection method: clinical testing. Allele origin: germline.
Comment: the same text as in the submission from Illumina Laboratory Services, Illumina above.

Breakthrough Genomics
Classification: Benign. Review status: criteria provided, single submitter. Criteria: ACMG Guidelines, 2015. Collection method: not provided. Allele origin: germline. Inheritance: Autosomal dominant inheritance. Affected: yes.